The following is an entry in ClinVar:

NM_017934.7(PHIP):c.3460G>T (p.Gly1154Ter)

Genes: IRAK1BP1 (interleukin 1 receptor associated kinase 1 binding protein 1; plus strand), PHIP (PHIP subunit of CUL4-Ring ligase complex; minus strand). Cytogenetic location: 6q14.1.
Variant type: single nucleotide variant.
Coding change: c.3460G>T on transcript NM_017934.7 (MANE Select); coding-DNA position 3460, G replaced by T.
Protein change: p.Gly1154Ter; replaces glycine 1154 with a stop codon.
Molecular consequence: nonsense.
Genome position (GRCh38, 1-based): chr6:78,963,172, C>A on the plus strand (G>T on the coding strand, the complement: PHIP is on the minus strand). VCF-style: chr6-78963172-C-A. GRCh37 (hg19) VCF-style: chr6-79672889-C-A.
Other names: short protein forms G1154*.
Identifiers: ClinVar variation 2501968 (VCV002501968.1), dbSNP rs2481866319, ClinGen allele CA364646321.
Genomic context (GRCh38, chr6:78,963,172, plus strand): 5'-GGTTTATTCCTGCCACAATTCTTTCACATTCTTCATCCCTGGGATTGGTACCCCATTCTC[C>A]ATCAAGAGGTTTATAGATTAGTGATCTGCACTCACCATCAGTTAAAGGAACACTGGTACC-3'

ClinVar aggregate classification (germline): Pathogenic (1 of 4 stars; one submission).

Submission:

GeneDx
Classification: Pathogenic. Last evaluated: 2022-10-10. Review status: criteria provided, single submitter. Criteria: GeneDx Variant Classification Process June 2021. Collection method: clinical testing. Allele origin: germline. Affected: yes.
Comment: Nonsense variant predicted to result in protein truncation or nonsense mediated decay in a gene for which loss of function is a known mechanism of disease; Not observed at significant frequency in large population cohorts (gnomAD); Has not been previously published as pathogenic or benign to our knowledge